The following is an entry in ClinVar:

ClinVar aggregate classification (germline): Uncertain significance (1 of 4 stars; one submission).

Allele frequency attached by ClinVar (database versions not stated): ExAC 0.00005; gnomAD exomes 0.00005; gnomAD 0.00007; ESP Exome Variant Server 0.00008; TOPMed 0.00009.

Submission:

Labcorp Genetics (formerly Invitae), Labcorp
Classification: Uncertain significance. Last evaluated: 2023-12-18. Review status: criteria provided, single submitter. Criteria: Invitae Variant Classification Sherloc (09022015). Collection method: clinical testing. Allele origin: germline.
Comment: This sequence change replaces alanine, which is neutral and non-polar, with serine, which is neutral and polar, at codon 90 of the ERBB4 protein (p.Ala90Ser). This variant is present in population databases (rs201678258, gnomAD 0.008%). This variant has not been reported in the literature in individuals affected with ERBB4-related conditions. ClinVar contains an entry for this variant (Variation ID: 2170539). Advanced modeling of protein sequence and biophysical properties (such as structural, functional, and spatial information, amino acid conservation, physicochemical variation, residue mobility, and thermodynamic stability) performed at Invitae indicates that this missense variant is not expected to disrupt ERBB4 protein function with a negative predictive value of 80%. In summary, the available evidence is currently insufficient to determine the role of this variant in disease. Therefore, it has been classified as a Variant of Uncertain Significance.

NM_005235.3(ERBB4):c.268G>T (p.Ala90Ser)

Gene: ERBB4 (erb-b2 receptor tyrosine kinase 4; minus strand). Cytogenetic location: 2q34.
Variant type: single nucleotide variant.
Coding change: c.268G>T on transcript NM_005235.3 (MANE Select); coding-DNA position 268, G replaced by T.
Protein change: p.Ala90Ser; replaces alanine 90 with serine.
Molecular consequence: missense variant.
Genome position (GRCh38, 1-based): chr2:211,947,583, C>A on the plus strand (G>T on the coding strand, the complement: ERBB4 is on the minus strand). VCF-style: chr2-211947583-C-A. GRCh37 (hg19) VCF-style: chr2-212812308-C-A.
Other names: c.268G>T, p.Ala90Ser (NM_001042599.2); short protein forms A90S.
Identifiers: ClinVar variation 2170539 (VCV002170539.4), dbSNP rs201678258, ClinGen allele CA2088473.